The following is an entry in ClinVar:

ClinVar aggregate classification (germline): Conflicting classifications of pathogenicity. Review status: criteria provided, conflicting classifications (1 of 4 stars). 7 submissions from 7 submitters: Uncertain significance (4); Likely benign (1). 2 of the submissions do not count toward it. Last evaluated 2026-01-13.

Conditions:
Primary ciliary dyskinesia. Also called: Ciliary dyskinesia. Identifiers: Orphanet 244, MedGen C0008780, MONDO:0016575, HP:0012265.
Primary ciliary dyskinesia 3. Identifiers: Orphanet 244, MedGen C1837618, MONDO:0012085, OMIM 608644.

Allele frequency attached by ClinVar (database versions not stated): gnomAD exomes 0.00011; ExAC 0.00014; gnomAD 0.00035; TOPMed 0.00043; 1000 Genomes Project 0.00060; 1000 Genomes Project 30x 0.00094.
gnomAD v4.1: 112 of 1,549,434 alleles (0.0072%); highest among the groups gnomAD compares: African/African-American, 0.12%; no homozygotes.

Submissions (7):

Labcorp Genetics (formerly Invitae), Labcorp
Classification: Likely benign for Primary ciliary dyskinesia. Last evaluated: 2026-01-13. Review status: criteria provided, single submitter. Criteria: Invitae Variant Classification Sherloc (09022015). Collection method: clinical testing. Allele origin: germline.

Revvity Omics, Revvity
Classification: Uncertain significance for Primary ciliary dyskinesia 3. Last evaluated: 2021-09-20. Review status: criteria provided, single submitter. Criteria: ACMG Guidelines, 2015. Collection method: clinical testing. Allele origin: germline.

Ambry Genetics
Classification: Uncertain significance for Primary ciliary dyskinesia. Last evaluated: 2018-06-22. Review status: criteria provided, single submitter. Criteria: Ambry Variant Classification Scheme 2023. Collection method: clinical testing. Allele origin: germline.
Comment: The p.R2511W variant (also known as c.7531C>T), located in coding exon 45 of the DNAH5 gene, results from a C to T substitution at nucleotide position 7531. The arginine at codon 2511 is replaced by tryptophan, an amino acid with dissimilar properties. This amino acid position is not well conserved in available vertebrate species. In addition, this alteration is predicted to be tolerated by in silico analysis. Since supporting evidence is limited at this time, the clinical significance of this alteration remains unclear.

Laboratory for Molecular Medicine, Mass General Brigham Personalized Medicine
Classification: Uncertain significance. Last evaluated: 2016-01-14. Review status: criteria provided, single submitter. Criteria: LMM Criteria. Collection method: clinical testing. Allele origin: germline. Observed: 1 variant allele.
Comment: Variant classified as Uncertain Significance - Favor Benign. The p.Arg2511Trp va riant in DNAH5 has not been previously reported in individuals with pulmonary di sease and has been identified in 1/4612 European chromosomes by the Exome Aggreg ation Consortium (ExAC; dbSNP rs564040169). Comp utational prediction tools and conservation analysis suggest that the p.Arg2511T rp variant may not impact the protein, though this information is not predictive enough to rule out pathogenicity. In summary, while the clinical significance o f the p.Arg2511Trp variant is uncertain, these data suggest that it is more like ly to be benign.

Eurofins Ntd Llc (ga)
Classification: Uncertain significance. Last evaluated: 2014-07-29. Review status: criteria provided, single submitter. Criteria: EGL Classification Definitions 2015. Collection method: clinical testing. Allele origin: germline. Observed: 3 variant alleles, 3 heterozygotes.

Natera, Inc.
Classification: Uncertain significance for Primary ciliary dyskinesia. Last evaluated: 2020-01-24. Review status: no assertion criteria provided. Collection method: clinical testing. Allele origin: germline. Not counted in ClinVar's aggregate classification.

Counsyl
Classification: Uncertain significance for Primary ciliary dyskinesia 3. Last evaluated: 2018-02-20. Review status: no assertion criteria provided. Collection method: clinical testing. Allele origin: unknown. Not counted in ClinVar's aggregate classification.

NM_001369.3(DNAH5):c.7531C>T (p.Arg2511Trp)

Gene: DNAH5 (dynein axonemal heavy chain 5; minus strand). Cytogenetic location: 5p15.2.
Variant type: single nucleotide variant.
Coding change: c.7531C>T on transcript NM_001369.3 (MANE Select); coding-DNA position 7531, C replaced by T.
Protein change: p.Arg2511Trp; replaces arginine 2511 with tryptophan.
Molecular consequence: missense variant.
Genome position (GRCh38, 1-based): chr5:13,810,137, G>A on the plus strand (C>T on the coding strand, the complement: DNAH5 is on the minus strand). VCF-style: chr5-13810137-G-A. GRCh37 (hg19) VCF-style: chr5-13810246-G-A.
Other names: short protein forms R2511W.
Identifiers: ClinVar variation 197517 (VCV000197517.24), dbSNP rs564040169, ClinGen allele CA245724.